The following is an entry in ClinVar:

NM_015512.5(DNAH1):c.5776A>T (p.Ile1926Leu)

Gene: DNAH1 (dynein axonemal heavy chain 1; plus strand). Cytogenetic location: 3p21.1.
Variant type: single nucleotide variant.
Coding change: c.5776A>T on transcript NM_015512.5 (MANE Select); coding-DNA position 5776, A replaced by T.
Protein change: p.Ile1926Leu; replaces isoleucine 1926 with leucine.
Molecular consequence: missense variant.
Genome position (GRCh38, 1-based): chr3:52,368,751, A>T. VCF-style: chr3-52368751-A-T. GRCh37 (hg19) VCF-style: chr3-52402767-A-T.
Other names: short protein forms I1926L.
Identifiers: ClinVar variation 3771208 (VCV003771208.14).
Genomic context (GRCh38, chr3:52,368,751, plus strand): 5'-GAAGCACCGCCTCCCTGATGTTTCCAGCCCTCTCCTCCCTGGCGCTGCAGGACAGACGGG[A>T]TATTCTCCTCGTTCATCCGGGCGGGGGCCATCACCTCCGACACCAACAAGAAGTGGTACA-3'
Protein context (NP_056327.4, residues 1916-1936): DLLTHEWTDG[Ile1926Leu]FSSFIRAGAI

ClinVar aggregate classification (germline): Uncertain significance. Review status: criteria provided, multiple submitters, no conflicts (2 of 4 stars). 2 submissions from 2 submitters: Uncertain significance (2). Last evaluated 2025-03-12.

Conditions:
Spermatogenic failure 18. Identifiers: MedGen C4539783, MONDO:0054615, OMIM 617576.
Ciliary dyskinesia, primary, 37 (CILD37). Also called: CILIARY DYSKINESIA, PRIMARY, 37, WITH OR WITHOUT SITUS INVERSUS. Identifiers: MedGen C4539798, MONDO:0033204, OMIM 617577.

gnomAD v4.1: 25 of 1,613,420 alleles (0.0015%); highest among the groups gnomAD compares: Non-Finnish European, 0.0021%; no homozygotes.

Submissions (2):

Labcorp Genetics (formerly Invitae), Labcorp
Classification: Uncertain significance for Ciliary dyskinesia, primary, 37; Spermatogenic failure 18. Last evaluated: 2025-03-12. Review status: criteria provided, single submitter. Criteria: Invitae Variant Classification Sherloc (09022015). Collection method: clinical testing. Allele origin: germline.
Comment: This sequence change replaces isoleucine, which is neutral and non-polar, with leucine, which is neutral and non-polar, at codon 1926 of the DNAH1 protein (p.Ile1926Leu). This variant is present in population databases (no rsID available, gnomAD 0.004%). This variant has not been reported in the literature in individuals affected with DNAH1-related conditions. Invitae Evidence Modeling of protein sequence and biophysical properties (such as structural, functional, and spatial information, amino acid conservation, physicochemical variation, residue mobility, and thermodynamic stability) indicates that this missense variant is not expected to disrupt DNAH1 protein function with a negative predictive value of 80%. In summary, the available evidence is currently insufficient to determine the role of this variant in disease. Therefore, it has been classified as a Variant of Uncertain Significance.

CeGaT Center for Human Genetics Tuebingen
Classification: Uncertain significance. Last evaluated: 2025-01-01. Review status: criteria provided, single submitter. Criteria: CeGaT Center For Human Genetics Tuebingen Variant Classification Criteria Version 2. Collection method: clinical testing. Allele origin: germline. Affected: yes. Observed: 1 variant allele.
Comment: DNAH1: PM2